The following is an entry in ClinVar:

NM_018089.3(ANKZF1):c.236A>G (p.Gln79Arg)

Gene: ANKZF1 (ankyrin repeat and zinc finger peptidyl tRNA hydrolase 1; plus strand). Cytogenetic location: 2q35.
Variant type: single nucleotide variant.
Coding change: c.236A>G on transcript NM_018089.3 (MANE Select); coding-DNA position 236, A replaced by G.
Protein change: p.Gln79Arg; replaces glutamine 79 with arginine.
Molecular consequence: missense variant. On other transcripts: intron variant (1).
Genome position (GRCh38, 1-based): chr2:219,232,015, A>G. VCF-style: chr2-219232015-A-G. GRCh37 (hg19) VCF-style: chr2-220096737-A-G.
Other names: c.236A>G, p.Gln79Arg (NM_001042410.2); c.-266-475A>G (NM_001282792.2); short protein forms Q79R.
Identifiers: ClinVar variation 3008754 (VCV003008754.3), dbSNP rs1341454832, ClinGen allele CA350672390.

ClinVar aggregate classification (germline): Uncertain significance (1 of 4 stars; one submission).

Allele frequency attached by ClinVar (database versions not stated): gnomAD exomes below 0.00001.

Submission:

Labcorp Genetics (formerly Invitae), Labcorp
Classification: Uncertain significance. Last evaluated: 2022-11-24. Review status: criteria provided, single submitter. Criteria: Invitae Variant Classification Sherloc (09022015). Collection method: clinical testing. Allele origin: germline.
Comment: This sequence change replaces glutamine, which is neutral and polar, with arginine, which is basic and polar, at codon 79 of the ANKZF1 protein (p.Gln79Arg). This variant is present in population databases (no rsID available, gnomAD 0.007%). This variant has not been reported in the literature in individuals affected with ANKZF1-related conditions. Algorithms developed to predict the effect of missense changes on protein structure and function (SIFT, PolyPhen-2, Align-GVGD) all suggest that this variant is likely to be tolerated. In summary, the available evidence is currently insufficient to determine the role of this variant in disease. Therefore, it has been classified as a Variant of Uncertain Significance.